The following is an entry in ClinVar:

NM_000085.5(CLCNKB):c.498+12G>T

Genes: CLCNKB (chloride voltage-gated channel Kb; plus strand), LOC106501713 (CLCNKB recombination region; plus strand). Cytogenetic location: 1p36.13.
Variant type: single nucleotide variant.
Coding change: c.498+12G>T on transcript NM_000085.5 (MANE Select); 12 bases into the intron after coding-DNA position 498, G replaced by T.
Molecular consequence: intron variant.
Genome position (GRCh38, 1-based): chr1:16,048,056, G>T. VCF-style: chr1-16048056-G-T. GRCh37 (hg19) VCF-style: chr1-16374551-G-T.
Identifiers: ClinVar variation 1921243 (VCV001921243.2), dbSNP rs376006347, ClinGen allele CA623323.
Genomic context (GRCh38, chr1:16,048,056, plus strand): 5'-CCTCTCCTGCACCCTGGCCTGTGGCAGCACCCTCTTCCTCGGGAAAGTGGTATGGGCAGG[G>T]GTGAGGGCATCCCAACCACCCTACCCACCCCAGCCACCCCAGTCTCACCCCCATCACCCC-3'

ClinVar aggregate classification (germline): Uncertain significance (1 of 4 stars; one submission).

Allele frequency attached by ClinVar (database versions not stated): ExAC 0.00002; TOPMed 0.00002; gnomAD 0.00003; gnomAD exomes 0.00007; ESP Exome Variant Server 0.00008.

Submission:

Labcorp Genetics (formerly Invitae), Labcorp
Classification: Uncertain significance. Last evaluated: 2022-06-29. Review status: criteria provided, single submitter. Criteria: Invitae Variant Classification Sherloc (09022015). Collection method: clinical testing. Allele origin: germline.
Comment: This sequence change falls in intron 5 of the CLCNKB gene. It does not directly change the encoded amino acid sequence of the CLCNKB protein. This variant is present in population databases (rs376006347, gnomAD 0.005%). This variant has not been reported in the literature in individuals affected with CLCNKB-related conditions. Algorithms developed to predict the effect of sequence changes on RNA splicing suggest that this variant may disrupt the consensus splice site. In summary, the available evidence is currently insufficient to determine the role of this variant in disease. Therefore, it has been classified as a Variant of Uncertain Significance.